The following is an entry in ClinVar:

NM_014231.5(VAMP1):c.291G>C (p.Met97Ile)

Genes: TAPBPL (TAP binding protein like; plus strand), VAMP1 (vesicle associated membrane protein 1; minus strand). Cytogenetic location: 12p13.31.
Variant type: single nucleotide variant.
Coding change: c.291G>C on transcript NM_014231.5 (MANE Select); coding-DNA position 291, G replaced by C.
Protein change: p.Met97Ile; replaces methionine 97 with isoleucine.
Molecular consequence: missense variant. On other transcripts: non-coding transcript variant (1).
Genome position (GRCh38, 1-based): chr12:6,464,939, C>G on the plus strand (G>C on the coding strand, the complement: VAMP1 is on the minus strand). VCF-style: chr12-6464939-C-G. GRCh37 (hg19) VCF-style: chr12-6574105-C-G.
Other names: c.291G>C, p.Met97Ile (NM_001297438.2, NM_016830.4, NM_199245.3); short protein forms M97I.
Identifiers: ClinVar variation 2746938 (VCV002746938.3), dbSNP rs114738680, ClinGen allele CA6407624.
Genomic context (GRCh38, chr12:6,464,939, plus strand): 5'-GCGATACTTACTTACAATAACTACCACGATGATGGCACAGATGGCTCCCAGCATGATCAT[C>G]ATCTGAGGAAACATGGACAAAAAATGAGCCCTTGGATTTCAGGAATGAGGAAAAGAGCCA-3'
Protein context (NP_055046.1, residues 87-107): KRKYWWKNCK[Met97Ile]MIMLGAICAI

ClinVar aggregate classification (germline): Uncertain significance (1 of 4 stars; one submission).

Conditions:
Spastic paraplegia. Identifiers: MedGen C0037772, HP:0001258.

Allele frequency attached by ClinVar (database versions not stated): TOPMed below 0.00001; gnomAD 0.00001; gnomAD exomes 0.00001; ExAC 0.00002; 1000 Genomes Project 30x 0.00031; 1000 Genomes Project 0.00040.
gnomAD v4.1: 6 of 1,613,816 alleles (0.00037%); highest among the groups gnomAD compares: South Asian, 0.0044%; no homozygotes.

Submission:

Labcorp Genetics (formerly Invitae), Labcorp
Classification: Uncertain significance for Spastic paraplegia. Last evaluated: 2023-03-22. Review status: criteria provided, single submitter. Criteria: Invitae Variant Classification Sherloc (09022015). Collection method: clinical testing. Allele origin: germline.
Comment: An algorithm developed to predict the effect of missense changes on protein structure and function (PolyPhen-2) suggests that this variant is likely to be tolerated. In summary, the available evidence is currently insufficient to determine the role of this variant in disease. Therefore, it has been classified as a Variant of Uncertain Significance. This variant has not been reported in the literature in individuals affected with VAMP1-related conditions. This sequence change replaces methionine, which is neutral and non-polar, with isoleucine, which is neutral and non-polar, at codon 97 of the VAMP1 protein (p.Met97Ile). This variant is present in population databases (rs114738680, gnomAD 0.006%).